The following is an entry in ClinVar:

NM_052859.4(RFT1):c.801G>T (p.Leu267Phe)

Gene: RFT1 (RFT1 glycolipid translocator homolog; minus strand). Cytogenetic location: 3p21.1.
Variant type: single nucleotide variant.
Coding change: c.801G>T on transcript NM_052859.4 (MANE Select); coding-DNA position 801, G replaced by T.
Protein change: p.Leu267Phe; replaces leucine 267 with phenylalanine.
Molecular consequence: missense variant.
Genome position (GRCh38, 1-based): chr3:53,106,844, C>A on the plus strand (G>T on the coding strand, the complement: RFT1 is on the minus strand). VCF-style: chr3-53106844-C-A. GRCh37 (hg19) VCF-style: chr3-53140860-C-A.
Other names: short protein forms L267F.
Identifiers: ClinVar variation 346191 (VCV000346191.8), dbSNP rs745687063, ClinGen allele CA2451333.

ClinVar aggregate classification (germline): Uncertain significance. Review status: criteria provided, multiple submitters, no conflicts (2 of 4 stars). 3 submissions from 3 submitters: Uncertain significance (3). Last evaluated 2024-08-01.

Conditions:
RFT1-congenital disorder of glycosylation (CDG1N). Also called: Congenital disorder of glycosylation type In; CDG In; RFT1-CDG. Identifiers: Orphanet 244310, MedGen C2677590, MONDO:0012783, OMIM 612015.
Inborn genetic diseases. Identifiers: MedGen C0950123, MeSH D030342.

Allele frequency attached by ClinVar (database versions not stated): gnomAD 0.00002 and 0.00003; TOPMed 0.00003; gnomAD exomes 0.00004 and 0.00005; ExAC 0.00005.
gnomAD v4.1: 56 of 1,613,190 alleles (0.0035%); highest among the groups gnomAD compares: Middle Eastern, 0.033%; no homozygotes.

Submissions (3):

Ambry Genetics
Classification: Uncertain significance for Inborn genetic diseases. Last evaluated: 2024-08-01. Review status: criteria provided, single submitter. Criteria: Ambry Variant Classification Scheme 2023. Collection method: clinical testing. Allele origin: germline.

Labcorp Genetics (formerly Invitae), Labcorp
Classification: Uncertain significance for RFT1-congenital disorder of glycosylation. Last evaluated: 2022-07-13. Review status: criteria provided, single submitter. Criteria: Invitae Variant Classification Sherloc (09022015). Collection method: clinical testing. Allele origin: germline.
Comment: This sequence change replaces leucine, which is neutral and non-polar, with phenylalanine, which is neutral and non-polar, at codon 267 of the RFT1 protein (p.Leu267Phe). This variant is present in population databases (rs745687063, gnomAD 0.01%). This variant has not been reported in the literature in individuals affected with RFT1-related conditions. ClinVar contains an entry for this variant (Variation ID: 346191). Algorithms developed to predict the effect of missense changes on protein structure and function output the following: SIFT: "Tolerated"; PolyPhen-2: "Benign"; Align-GVGD: "Class C0". The phenylalanine amino acid residue is found in multiple mammalian species, which suggests that this missense change does not adversely affect protein function. In summary, the available evidence is currently insufficient to determine the role of this variant in disease. Therefore, it has been classified as a Variant of Uncertain Significance.

Illumina Laboratory Services, Illumina
Classification: Uncertain significance for RFT1-congenital disorder of glycosylation. Last evaluated: 2018-01-13. Review status: criteria provided, single submitter. Criteria: ICSL Variant Classification Criteria 13 December 2019. Collection method: clinical testing. Allele origin: germline.